The following is an entry in ClinVar:

ClinVar aggregate classification (germline): Likely benign (0 of 4 stars; one submission).

Conditions:
LEO1-related disorder. Also called: LEO1-related condition.

Allele frequency attached by ClinVar (database versions not stated): gnomAD 0.00003; ExAC 0.00007; ESP Exome Variant Server 0.00008; TOPMed 0.00008; gnomAD exomes 0.00009.
gnomAD v4.1: 130 of 1,611,444 alleles (0.0081%); highest among the groups gnomAD compares: Non-Finnish European, 0.01%; no homozygotes.

Submission:

PreventionGenetics, part of Exact Sciences
Classification: Likely benign for LEO1-related condition. Last evaluated: 2019-04-11. Review status: no assertion criteria provided. Collection method: clinical testing. Allele origin: germline.
Comment: This variant is classified as likely benign based on ACMG/AMP sequence variant interpretation guidelines (Richards et al. 2015 PMID: 25741868, with internal and published modifications).

NM_138792.4(LEO1):c.1341-3C>T

Gene: LEO1 (LEO1 homolog, Paf1/RNA polymerase II complex component; minus strand). Cytogenetic location: 15q21.2.
Variant type: single nucleotide variant.
Coding change: c.1341-3C>T on transcript NM_138792.4 (MANE Select); 3 bases into the intron before coding-DNA position 1341, C replaced by T.
Molecular consequence: intron variant.
Genome position (GRCh38, 1-based): chr15:51,953,266, G>A on the plus strand (C>T on the coding strand, the complement: LEO1 is on the minus strand). VCF-style: chr15-51953266-G-A. GRCh37 (hg19) VCF-style: chr15-52245463-G-A.
Other names: c.1161-3C>T (NM_001286430.2); c.1341-3C>T (NM_001323904.2, NM_001323903.2).
Identifiers: ClinVar variation 3046394 (VCV003046394.2), dbSNP rs374535728, ClinGen allele CA7564468.